The following is an entry in ClinVar:

NM_000361.3(THBD):c.629_646dup (p.Val215_Ala216insGlySerSerAlaAlaVal)

Gene: THBD (thrombomodulin; minus strand). Cytogenetic location: 20p11.21.
Variant type: Duplication.
Coding change: c.629_646dup on transcript NM_000361.3 (MANE Select); coding-DNA positions 629 to 646, 18 bases duplicated (GCAGCTCCGCCGCGGTGG).
Protein change: p.Val215_Ala216insGlySerSerAlaAlaVal.
Genome position (GRCh38, 1-based): chr20:23,048,859-23,048,876, CCACCGCGGCGGAGCTGC duplicated on the plus strand (GCAGCTCCGCCGCGGTGG on the coding strand, the reverse complement: THBD is on the minus strand); duplicating any 18 consecutive bases within chr20:23,048,859-23,048,882 gives the same sequence; the c. name uses the placement nearest the transcript's 3' end. VCF-style (leftmost placement, unchanged base first): chr20-23048858-G-GCCACCGCGGCGGAGCTGC. GRCh37 (hg19) VCF-style: chr20-23029495-G-GCCACCGCGGCGGAGCTGC.
Identifiers: ClinVar variation 4974656 (VCV004974656.1).

ClinVar aggregate classification (germline): Uncertain significance (1 of 4 stars; one submission).

Conditions:
Atypical hemolytic-uremic syndrome with thrombomodulin anomaly. Also called: HEMOLYTIC UREMIC SYNDROME, ATYPICAL, SUSCEPTIBILITY TO, 6; AHUS, SUSCEPTIBILITY TO, 6. Identifiers: MedGen C2752036, MONDO:0013044, OMIM 612926. Disease mechanism: gain of function.

Submission:

Clinical Genomics Laboratory, Washington University in St. Louis
Classification: Uncertain significance for Atypical hemolytic-uremic syndrome with thrombomodulin anomaly. Last evaluated: 2026-05-05. Review status: criteria provided, single submitter. Criteria: ACMG Guidelines, 2015. Collection method: clinical testing. Allele origin: germline.
Comment: The THBD c.629_646dup (p.Gly210_Val215dup) variant, to our knowledge, has not been reported in the medical literature. This variant is absent from the general population (gnomAD v2.1.1), indicating it is not a common variant. This variant is predicted to cause a change in the length of the protein due to an in-frame duplication of six amino acids in a non-repeat region. Due to limited information, and based on ACMG/AMP guidelines for variant interpretation (Richards S et al., PMID: 25741868), the clinical significance of this variant is uncertain at this time.